The following is an entry in ClinVar:

NM_003900.5(SQSTM1):c.539C>T (p.Ser180Leu)

Gene: SQSTM1 (sequestosome 1; plus strand). Cytogenetic location: 5q35.3.
Variant type: single nucleotide variant.
Coding change: c.539C>T on transcript NM_003900.5 (MANE Select); coding-DNA position 539, C replaced by T.
Protein change: p.Ser180Leu; replaces serine 180 with leucine.
Molecular consequence: missense variant.
Genome position (GRCh38, 1-based): chr5:179,824,189, C>T. VCF-style: chr5-179824189-C-T. GRCh37 (hg19) VCF-style: chr5-179251189-C-T.
Other names: c.539C>T (NM_003900.4); c.287C>T, p.Ser96Leu (NM_001142298.2, NM_001142299.2); short protein forms S96L, S180L.
Identifiers: ClinVar variation 2022170 (VCV002022170.5), dbSNP rs1582008478, ClinGen allele CA362445302.
Genomic context (GRCh38, chr5:179,824,189, plus strand): 5'-GGCAGGAACCTTGACCCGCTCACTGCCTGCCGCTCTGCTAATTCCTCCCCCAGGGCTTCT[C>T]GCACAGCCGCTGGCTCCGGAAGGTGAAACACGGACACTTCGGGTGGCCAGGATGGGAAAT-3'
Protein context (NP_003891.1, residues 170-190): SPFGHLSEGF[Ser180Leu]HSRWLRKVKH

ClinVar aggregate classification (germline): Uncertain significance. Review status: criteria provided, multiple submitters, no conflicts (2 of 4 stars). 2 submissions from 2 submitters: Uncertain significance (2). Last evaluated 2022-11-07.

Conditions:
Paget disease of bone 2, early-onset (PDB2). Also called: Paget disease of bone 2. Identifiers: MedGen C4085251, MONDO:0011183, OMIM 602080.
Frontotemporal dementia and/or amyotrophic lateral sclerosis 1 (FTDALS1). Also called: Frontotemporal dementia with motor neuron disease 1; C9orf72 Frontotemporal Dementia and/or Amyotrophic Lateral Sclerosis. Identifiers: Orphanet 275872, MedGen C5779877, MONDO:0007105, OMIM 105550.
SQSTM1-related disorder. Also called: SQSTM1-Related Disorders.

Allele frequency attached by ClinVar (database versions not stated): TOPMed below 0.00001; gnomAD exomes 0.00001.
gnomAD v4.1: 16 of 1,613,768 alleles (0.00099%); highest among the groups gnomAD compares: East Asian, 0.0022%; no homozygotes.

Submissions (2):

PreventionGenetics, part of Exact Sciences
Classification: Uncertain significance for SQSTM1-related condition. Last evaluated: 2022-11-07. Review status: criteria provided, single submitter. Criteria: ACMG Guidelines, 2015. Collection method: clinical testing. Allele origin: germline.
Comment: The SQSTM1 c.539C>T variant is predicted to result in the amino acid substitution p.Ser180Leu. To our knowledge, this variant has not been reported in the literature or in a large population database, indicating this variant is rare. At this time, the clinical significance of this variant is uncertain due to the absence of conclusive functional and genetic evidence.

Labcorp Genetics (formerly Invitae), Labcorp
Classification: Uncertain significance for Paget disease of bone 2, early-onset; Frontotemporal dementia and/or amyotrophic lateral sclerosis 1. Last evaluated: 2022-10-17. Review status: criteria provided, single submitter. Criteria: Invitae Variant Classification Sherloc (09022015). Collection method: clinical testing. Allele origin: germline.
Comment: In summary, the available evidence is currently insufficient to determine the role of this variant in disease. Therefore, it has been classified as a Variant of Uncertain Significance. Advanced modeling of protein sequence and biophysical properties (such as structural, functional, and spatial information, amino acid conservation, physicochemical variation, residue mobility, and thermodynamic stability) performed at Invitae indicates that this missense variant is not expected to disrupt SQSTM1 protein function. This variant has not been reported in the literature in individuals affected with SQSTM1-related conditions. This variant is not present in population databases (gnomAD no frequency). This sequence change replaces serine, which is neutral and polar, with leucine, which is neutral and non-polar, at codon 180 of the SQSTM1 protein (p.Ser180Leu).